The following is an entry in ClinVar:

NM_001127453.2(GSDME):c.179A>G (p.Asp60Gly)

Gene: GSDME (gasdermin E; minus strand). Cytogenetic location: 7p15.3.
Variant type: single nucleotide variant.
Coding change: c.179A>G on transcript NM_001127453.2 (MANE Select); coding-DNA position 179, A replaced by G.
Protein change: p.Asp60Gly; replaces aspartic acid 60 with glycine.
Molecular consequence: missense variant. On other transcripts: intron variant (1).
Genome position (GRCh38, 1-based): chr7:24,749,596, T>C on the plus strand (A>G on the coding strand, the complement: GSDME is on the minus strand). VCF-style: chr7-24749596-T-C. GRCh37 (hg19) VCF-style: chr7-24789215-T-C.
Other names: c.179A>G, p.Asp60Gly (NM_004403.3); c.-281-4842A>G (NM_001127454.2); short protein forms D60G.
Identifiers: ClinVar variation 1680846 (VCV001680846.8), dbSNP rs146697813, ClinGen allele CA4191830.

ClinVar aggregate classification (germline): Uncertain significance (1 of 4 stars; one submission).

Allele frequency attached by ClinVar (database versions not stated): ExAC 0.00003; gnomAD exomes 0.00004; gnomAD 0.00005; TOPMed 0.00008; ESP Exome Variant Server 0.00015; 1000 Genomes Project 0.00020; 1000 Genomes Project 30x 0.00031.
gnomAD v4.1: 23 of 1,613,530 alleles (0.0014%); highest among the groups gnomAD compares: Admixed American, 0.01%; no homozygotes.

Submission:

Labcorp Genetics (formerly Invitae), Labcorp
Classification: Uncertain significance. Last evaluated: 2024-02-17. Review status: criteria provided, single submitter. Criteria: Invitae Variant Classification Sherloc (09022015). Collection method: clinical testing. Allele origin: germline.
Comment: This sequence change replaces aspartic acid, which is acidic and polar, with glycine, which is neutral and non-polar, at codon 60 of the DFNA5 protein (p.Asp60Gly). This variant is present in population databases (rs146697813, gnomAD 0.01%). This variant has not been reported in the literature in individuals affected with DFNA5-related conditions. This missense change has been observed in at least one individual who was not affected with DFNA5-related conditions (Invitae). ClinVar contains an entry for this variant (Variation ID: 1680846). Advanced modeling of protein sequence and biophysical properties (such as structural, functional, and spatial information, amino acid conservation, physicochemical variation, residue mobility, and thermodynamic stability) performed at Invitae indicates that this missense variant is expected to disrupt DFNA5 protein function with a positive predictive value of 80%. In summary, the available evidence is currently insufficient to determine the role of this variant in disease. Therefore, it has been classified as a Variant of Uncertain Significance.